The following is an entry in ClinVar:

ClinVar aggregate classification (germline): Likely pathogenic (1 of 4 stars; one submission).

Conditions:
Glycogen storage disease type III (GSD3). Also called: FORBES DISEASE; Cori disease. Identifiers: Orphanet 366, MedGen C0017922, MONDO:0009291, OMIM 232400.

Submission:

Myriad Genetics, Inc.
Classification: Likely pathogenic for Glycogen storage disease type III. Last evaluated: 2022-03-29. Review status: criteria provided, single submitter. Criteria: Myriad Women's Health Autosomal Recessive and X-Linked Classification Criteria (2021). Collection method: clinical testing. Allele origin: unknown.
Comment: NM_000642.2(AGL):c.1091delC(P364Qfs*18) is expected to be pathogenic in the context of glycogen storage disease type III. This variant is predicted to lead to an abnormal or absent protein product due to the creation of a premature termination codon in AGL, a gene where loss-of-function variants are known to be pathogenic. Please note: this variant was assessed in the context of healthy population screening.

NM_000642.3(AGL):c.1091del (p.Pro364fs)

Gene: AGL (amylo-alpha-1,6-glucosidase and 4-alpha-glucanotransferase; plus strand). Cytogenetic location: 1p21.2.
Variant type: Deletion.
Coding change: c.1091del on transcript NM_000642.3 (MANE Select); coding-DNA position 1091, one base deleted (C; older notation c.1091delC).
Protein change: p.Pro364fs; shifts the reading frame from proline 364.
Molecular consequence: frameshift variant.
Genome position (GRCh38, 1-based): chr1:99,875,162, C deleted; the last of 2 consecutive C bases (chr1:99,875,161-99,875,162); deleting either gives the same sequence. VCF-style (leftmost placement, unchanged base first): chr1-99875160-GC-G. GRCh37 (hg19) VCF-style: chr1-100340716-GC-G.
Other names: c.1091delC, p.Pro364Glnfs (NM_000028.3, NM_000643.3, NM_000644.3 and 2 more transcripts); c.1043delC, p.Pro348Glnfs (NM_000646.3); c.887delC, p.Pro296Glnfs (NM_001425328.1, NM_001425329.1); c.713delC, p.Pro238Glnfs (NM_001425332.1); short protein forms P348fs, P364fs.
Identifiers: ClinVar variation 1725514 (VCV001725514.2), dbSNP rs2524598869, ClinGen allele CA2580063410.